The following is an entry in ClinVar:

ClinVar aggregate classification (germline): Likely benign (1 of 4 stars; one submission).

Allele frequency attached by ClinVar (database versions not stated): gnomAD exomes 0.00002.
gnomAD v4.1: 28 of 1,393,748 alleles (0.002%); highest among the groups gnomAD compares: Non-Finnish European, 0.0024%; no homozygotes.

Submission:

CeGaT Center for Human Genetics Tuebingen
Classification: Likely benign. Last evaluated: 2022-04-01. Review status: criteria provided, single submitter. Criteria: CeGaT Center For Human Genetics Tuebingen Variant Classification Criteria Version 2. Collection method: clinical testing. Allele origin: germline. Affected: yes. Observed: 1 variant allele.
Comment: SEMA6B: BP4, BP7

NM_032108.4(SEMA6B):c.1986C>T (p.Pro662=)

Gene: SEMA6B (semaphorin 6B; minus strand). Cytogenetic location: 19p13.3.
Variant type: single nucleotide variant.
Coding change: c.1986C>T on transcript NM_032108.4 (MANE Select); coding-DNA position 1986, C replaced by T.
Protein change: p.Pro662=; no amino-acid change (proline 662 retained).
Molecular consequence: synonymous variant.
Genome position (GRCh38, 1-based): chr19:4,544,282, G>A on the plus strand (C>T on the coding strand, the complement: SEMA6B is on the minus strand). VCF-style: chr19-4544282-G-A. GRCh37 (hg19) VCF-style: chr19-4544294-G-A.
Identifiers: ClinVar variation 2649069 (VCV002649069.24), dbSNP rs1375980606, ClinGen allele CA505171951.